The following continues an entry in ClinVar:

NM_000551.4(VHL):c.482G>A (p.Arg161Gln)

ClinVar aggregate classification (germline): Pathogenic. Pathogenic (12).

Submissions 11 to 15 of 15:

Women's Health and Genetics/Laboratory Corporation of America, LabCorp
Classification: Pathogenic for Von Hippel-Lindau syndrome. Last evaluated: 2019-08-18. Review status: criteria provided, single submitter. Criteria: LabCorp Variant Classification Summary - May 2015. Collection method: clinical testing. Allele origin: germline.
Comment: Variant summary: VHL c.482G>A (p.Arg161Gln) results in a conservative amino acid change located in the von Hippel-Lindau disease tumour suppressor, alpha domain (IPR024048) of the encoded protein sequence. Four of five in-silico tools predict a damaging effect of the variant on protein function. The variant was absent in 251440 control chromosomes. c.482G>A has been reported in the literature in multiple individuals affected with Von Hippel-Lindau Syndrome (example Chen_1995, Zbar_1996, Stolle_1998, Santarpia_2007, Olschwang_1998). These data indicate that the variant is very likely to be associated with disease. At least one publication reports experimental evidence evaluating an impact on protein function. The most pronounced variant effect results in disruption of binding to elongin and an unstable VHL protein that is susceptible to proteasomal degradation (Schoenfeld_2000). Five clinical diagnostic laboratories have submitted clinical-significance assessments for this variant to ClinVar after 2014 without evidence for independent evaluation. All laboratories classified the variant as pathogenic. Based on the evidence outlined above, the variant was classified as pathogenic.

Genetic Services Laboratory, University of Chicago
Classification: Pathogenic. Last evaluated: 2019-03-22. Review status: criteria provided, single submitter. Criteria: ACMG Guidelines, 2015. Collection method: clinical testing. Allele origin: germline. Affected: yes.
Comment: DNA sequence analysis of the VHL gene demonstrated a sequence change, c.482G>A, in exon 3 that results in an amino acid change, p.Arg161Gln. This sequence change is absent from large population databases such as ExAC and gnomAD. This pathogenic sequence change has previously been described in multiple patients and families with Von Hippel-Lindau syndrome (Igaki et al., 2018; Zhang et al., 2015; Iada et al., 2004). Functional analyses demonstrated that the p.Arg161Gln change inhibits the VHL protein from binding to proline-hydroxylated hypoxia-inducible factor 1A (HIF1a peptide (Couve et al., 2014). The p.Arg161Gln change affects a highly conserved amino acid residue located in a domain of the VHL protein that is known to be functional. The p.Arg161Gln substitution appears to be deleterious using several in-silico pathogenicity prediction tools (SIFT, PolyPhen2, CADD, REVEL).

PreventionGenetics, part of Exact Sciences
Classification: Pathogenic for VHL-related condition. Last evaluated: 2024-09-16. Review status: no assertion criteria provided. Collection method: clinical testing. Allele origin: germline. Not counted in ClinVar's aggregate classification.
Comment: The VHL c.482G>A variant is predicted to result in the amino acid substitution p.Arg161Gln. This variant was reported in numerous individuals with Von Hippel-Lindau syndrome and pheochromocytoma, and has been repeatedly shown to segregate with disease (see for example: Neumann et al. 2002. PubMed ID: 12000816; (described as c.695G>A) Iida et al. 2004. PubMed ID: 14767570; Qi et al. 2013. PubMed ID: 23842656; Couvé et al. 2014. PubMed ID: 25371412; Wong et al. 2016. PubMed ID: 27527340; Pandit et al. 2016. PubMed ID: 27539324; Olschwang et al. 1998. PubMed ID: 9829912). Functional studies suggest this variant decreases the ability of pVHL to bind to its expected substrate, hydroxylated hypoxia inducible factor (HIF-OH), compared to the wild type protein (Couvé et al. 2014. PubMed ID: 25371412). This variant has not been reported in a large population database, indicating this variant is rare. The VHL c.482G>A variant has been classified as pathogenic by numerous labs in ClinVar. This variant is interpreted as pathogenic.

Clinical Genomics Labs, University Health Network
Classification: Pathogenic for Von Hippel-Lindau syndrome. Last evaluated: 2017-02-22. Review status: no assertion criteria provided. Criteria: ACMG Guidelines, 2015. Collection method: clinical testing. Allele origin: germline. Not counted in ClinVar's aggregate classification.

Genomic Diagnostic Laboratory, Division of Genomic Diagnostics, Children's Hospital of Philadelphia
Classification: Pathogenic for Von Hippel-Lindau syndrome. Last evaluated: 2016-02-26. Review status: no assertion criteria provided. Collection method: clinical testing. Allele origin: germline. Affected: yes. Observed: 38 variant alleles. Not counted in ClinVar's aggregate classification.

Literature cited by the submitters: PubMed 38788146 (cited by Myriad Genetics, Inc.); PubMed 30877234 (cited by Myriad Genetics, Inc.); PubMed 26230854 (cited by Myriad Genetics, Inc.); PubMed 36528531 (cited by Myriad Genetics, Inc.); PubMed 17024664 (cited by Myriad Genetics, Inc.); PubMed 18580449 (cited by Myriad Genetics, Inc.); PubMed 7728151 (cited by 3 submitters); PubMed 9829911 (cited by 3 submitters); PubMed 12000816 (cited by Labcorp Genetics (formerly Invitae), Labcorp and Institute for Genomic Medicine (IGM) Clinical Laboratory, Nationwide Children's Hospital); PubMed 14767570 (cited by 4 submitters); PubMed 15300849 (cited by Labcorp Genetics (formerly Invitae), Labcorp and Institute for Genomic Medicine (IGM) Clinical Laboratory, Nationwide Children's Hospital); PubMed 20120764 (cited by 3 submitters); PubMed 21362373 (cited by 3 submitters); PubMed 23842656 (cited by 3 submitters); PubMed 24707167 (cited by 3 submitters); PubMed 21715564 (cited by 3 submitters); PubMed 25371412 (cited by 3 submitters); PubMed 38969834 (cited by Institute for Genomic Medicine (IGM) Clinical Laboratory, Nationwide Children's Hospital); PubMed 9829912 (cited by 3 submitters); PubMed 35475554 (cited by Institute for Genomic Medicine (IGM) Clinical Laboratory, Nationwide Children's Hospital); PubMed 17102087 (cited by Ambry Genetics); PubMed 27539324 (cited by Ambry Genetics); PubMed 29022557 (cited by Ambry Genetics); PubMed 29124493 (cited by Ambry Genetics); PubMed 29662268 (cited by Ambry Genetics); PubMed 31666924 (cited by Ambry Genetics); PubMed 8956040 (cited by Women's Health and Genetics/Laboratory Corporation of America, LabCorp); PubMed 18205710 (cited by Women's Health and Genetics/Laboratory Corporation of America, LabCorp); PubMed 10900011 (cited by Women's Health and Genetics/Laboratory Corporation of America, LabCorp).